The following is an entry in ClinVar:

NM_006946.4(SPTBN2):c.4397T>C (p.Val1466Ala)

Gene: SPTBN2 (spectrin beta, non-erythrocytic 2; minus strand). Cytogenetic location: 11q13.2.
Variant type: single nucleotide variant.
Coding change: c.4397T>C on transcript NM_006946.4 (MANE Select); coding-DNA position 4397, T replaced by C.
Protein change: p.Val1466Ala; replaces valine 1466 with alanine.
Molecular consequence: missense variant.
Genome position (GRCh38, 1-based): chr11:66,694,245, A>G on the plus strand (T>C on the coding strand, the complement: SPTBN2 is on the minus strand). VCF-style: chr11-66694245-A-G. GRCh37 (hg19) VCF-style: chr11-66461716-A-G.
Other names: c.4397T>C (NM_006946.2); short protein forms V1466A.
Identifiers: ClinVar variation 1474160 (VCV001474160.9), dbSNP rs148768325, ClinGen allele CA6128597.

ClinVar aggregate classification (germline): Uncertain significance. Review status: criteria provided, multiple submitters, no conflicts (2 of 4 stars). 2 submissions from 2 submitters: Uncertain significance (2). Last evaluated 2025-06-07.

Conditions:
Inborn genetic diseases. Identifiers: MedGen C0950123, MeSH D030342.

Allele frequency attached by ClinVar (database versions not stated): gnomAD exomes 0.00001; ExAC 0.00002; ESP Exome Variant Server 0.00008.
gnomAD v4.1: 19 of 1,614,074 alleles (0.0012%); highest among the groups gnomAD compares: Non-Finnish European, 0.0014%; no homozygotes.

Submissions (2):

Ambry Genetics
Classification: Uncertain significance for Inborn genetic diseases. Last evaluated: 2025-06-07. Review status: criteria provided, single submitter. Criteria: Ambry Variant Classification Scheme 2023. Collection method: clinical testing. Allele origin: germline.

Labcorp Genetics (formerly Invitae), Labcorp
Classification: Uncertain significance. Last evaluated: 2021-05-27. Review status: criteria provided, single submitter. Criteria: Invitae Variant Classification Sherloc (09022015). Collection method: clinical testing. Allele origin: germline.
Comment: In summary, the available evidence is currently insufficient to determine the role of this variant in disease. Therefore, it has been classified as a Variant of Uncertain Significance. Advanced modeling of protein sequence and biophysical properties (such as structural, functional, and spatial information, amino acid conservation, physicochemical variation, residue mobility, and thermodynamic stability) performed at Invitae indicates that this missense variant is not expected to disrupt SPTBN2 protein function. This variant has not been reported in the literature in individuals with SPTBN2-related conditions. This variant is present in population databases (rs148768325, ExAC 0.005%). This sequence change replaces valine with alanine at codon 1466 of the SPTBN2 protein (p.Val1466Ala). The valine residue is highly conserved and there is a small physicochemical difference between valine and alanine.